The following is an entry in ClinVar:

NM_000245.4(MET):c.571C>A (p.Arg191=)

Gene: MET (MET proto-oncogene, receptor tyrosine kinase; plus strand). Cytogenetic location: 7q31.2.
Variant type: single nucleotide variant.
Coding change: c.571C>A on transcript NM_000245.4 (MANE Select); coding-DNA position 571, C replaced by A.
Protein change: p.Arg191=; no amino-acid change (arginine 191 retained).
Molecular consequence: synonymous variant. On other transcripts: intron variant (1).
Genome position (GRCh38, 1-based): chr7:116,699,655, C>A. VCF-style: chr7-116699655-C-A. GRCh37 (hg19) VCF-style: chr7-116339709-C-A.
Other names: c.571C>A, p.Arg191= (NM_001127500.3, NM_001324401.3); c.-91+27078C>A (NM_001324402.2).
Identifiers: ClinVar variation 1001241 (VCV001001241.12), dbSNP rs530932258, ClinGen allele CA4448006.

ClinVar aggregate classification (germline): Benign/Likely benign. Review status: criteria provided, multiple submitters, no conflicts (2 of 4 stars). 3 submissions from 3 submitters: Benign (1); Likely benign (2). Last evaluated 2025-11-11.

Conditions:
Renal cell carcinoma. Identifiers: Orphanet 217071, MedGen C0007134, MeSH D002292, MONDO:0005086, HP:0005584.
Hereditary cancer-predisposing syndrome. Also called: Neoplastic Syndromes, Hereditary; Tumor predisposition; Hereditary Cancer Syndrome; Hereditary neoplastic syndrome. Identifiers: Orphanet 140162, MedGen C0027672, MeSH D009386, MONDO:0015356.
Papillary renal cell carcinoma type 1 (RCCP1). Also called: RENAL CELL CARCINOMA, PAPILLARY, 1, SOMATIC; Renal adenocarcinoma; Renal cell carcinoma 1; Renal cell carcinoma, somatic. Identifiers: Orphanet 47044, MedGen C1336839, OMIM 605074, HP:0011797.

Allele frequency attached by ClinVar (database versions not stated): ExAC 0.00001; 1000 Genomes Project 30x 0.00016; 1000 Genomes Project 0.00020.
gnomAD v4.1: 7 of 1,613,922 alleles (0.00043%); highest among the groups gnomAD compares: Admixed American, 0.0067%; no homozygotes.

Submissions (3):

Labcorp Genetics (formerly Invitae), Labcorp
Classification: Likely benign for Renal cell carcinoma. Last evaluated: 2025-11-11. Review status: criteria provided, single submitter. Criteria: Invitae Variant Classification Sherloc (09022015). Collection method: clinical testing. Allele origin: germline.

Myriad Genetics, Inc.
Classification: Benign for Papillary renal cell carcinoma type 1. Last evaluated: 2024-11-06. Review status: criteria provided, single submitter. Criteria: Myriad Autosomal Dominant, Autosomal Recessive and X-Linked Classification Criteria (2023). Collection method: clinical testing. Allele origin: unknown.
Comment: This variant is considered benign. This variant is a silent/synonymous amino acid change and it is not expected to impact splicing.

Ambry Genetics
Classification: Likely benign for Hereditary cancer-predisposing syndrome. Last evaluated: 2022-06-24. Review status: criteria provided, single submitter. Criteria: Ambry Variant Classification Scheme 2023. Collection method: clinical testing. Allele origin: germline.